The following is an entry in ClinVar:

ClinVar aggregate classification (germline): Uncertain significance (1 of 4 stars; one submission).

Submission:

Labcorp Genetics (formerly Invitae), Labcorp
Classification: Uncertain significance. Last evaluated: 2025-05-04. Review status: criteria provided, single submitter. Criteria: Invitae Variant Classification Sherloc (09022015). Collection method: clinical testing. Allele origin: germline.
Comment: This sequence change replaces leucine, which is neutral and non-polar, with arginine, which is basic and polar, at codon 44 of the GNAS protein (p.Leu44Arg). This variant is not present in population databases (gnomAD no frequency). This missense change has been observed in individual(s) with pseudohypoparathyroidism type 1a (PMID: 30703064). Invitae Evidence Modeling of protein sequence and biophysical properties (such as structural, functional, and spatial information, amino acid conservation, physicochemical variation, residue mobility, and thermodynamic stability) indicates that this missense variant is expected to disrupt GNAS protein function with a positive predictive value of 80%. In summary, the available evidence is currently insufficient to determine the role of this variant in disease. Therefore, it has been classified as a Variant of Uncertain Significance.

Literature cited by the submitters: PubMed 30703064.

NM_000516.7(GNAS):c.131T>G (p.Leu44Arg)

Gene: GNAS (GNAS complex locus; plus strand). Cytogenetic location: 20q13.32.
Variant type: single nucleotide variant.
Coding change: c.131T>G on transcript NM_000516.7 (MANE Select); coding-DNA position 131, T replaced by G.
Protein change: p.Leu44Arg; replaces leucine 44 with arginine.
Molecular consequence: missense variant. On other transcripts: intron variant (11).
Genome position (GRCh38, 1-based): chr20:58,891,857, T>G. VCF-style: chr20-58891857-T-G. GRCh37 (hg19) VCF-style: chr20-57466912-T-G.
Other names: c.131T>G, p.Leu44Arg (NM_001077488.5, NM_001077489.4, NM_001309842.2 and 1 more transcripts); c.*43-3755T>G (NM_016592.5); c.44-3755T>G (NM_001410912.1); c.-38-3755T>G (NM_001309861.2); c.*1-3755T>G (NM_001077490.3); c.2069-3755T>G (NM_080425.4, NM_001410913.1); c.*159-3755T>G (NM_001309883.1); c.-39+2504T>G (NM_001438273.1, NM_001309840.2); and 1 more; short protein forms L44R.
Identifiers: ClinVar variation 4743144 (VCV004743144.1).